The following is an entry in ClinVar:

NM_002291.3(LAMB1):c.4642C>A (p.Arg1548Ser)

Gene: LAMB1 (laminin subunit beta 1; minus strand). Cytogenetic location: 7q31.1.
Variant type: single nucleotide variant.
Coding change: c.4642C>A on transcript NM_002291.3 (MANE Select); coding-DNA position 4642, C replaced by A.
Protein change: p.Arg1548Ser; replaces arginine 1548 with serine.
Molecular consequence: missense variant.
Genome position (GRCh38, 1-based): chr7:107,929,515, G>T on the plus strand (C>A on the coding strand, the complement: LAMB1 is on the minus strand). VCF-style: chr7-107929515-G-T. GRCh37 (hg19) VCF-style: chr7-107569960-G-T.
Other names: short protein forms R1548S.
Identifiers: ClinVar variation 1418579 (VCV001418579.8), dbSNP rs143268795, ClinGen allele CA4434980.
Genomic context (GRCh38, chr7:107,929,515, plus strand): 5'-TGTCAGCAGCACTATGCTGAAGAATAACCTCTACTTGAGAAAGGCTTTCAACTCGTTCAC[G>T]TATATCTTCTGTCAAGTTCTGTAACTGCTGTGGGGTGCTAGGCATCTCCATTTTCAATAC-3'
Protein context (NP_002282.2, residues 1538-1558): QQLQNLTEDI[Arg1548Ser]ERVESLSQVE

ClinVar aggregate classification (germline): Uncertain significance (1 of 4 stars; one submission).

gnomAD v4.1: 18 of 1,613,794 alleles (0.0011%); highest among the groups gnomAD compares: Admixed American, 0.005%; no homozygotes.

Submission:

Labcorp Genetics (formerly Invitae), Labcorp
Classification: Uncertain significance. Last evaluated: 2024-02-05. Review status: criteria provided, single submitter. Criteria: Invitae Variant Classification Sherloc (09022015). Collection method: clinical testing. Allele origin: germline.
Comment: This sequence change replaces arginine, which is basic and polar, with serine, which is neutral and polar, at codon 1548 of the LAMB1 protein (p.Arg1548Ser). This variant is present in population databases (rs143268795, gnomAD 0.003%). This variant has not been reported in the literature in individuals affected with LAMB1-related conditions. ClinVar contains an entry for this variant (Variation ID: 1418579). An algorithm developed to predict the effect of missense changes on protein structure and function (PolyPhen-2) suggests that this variant is likely to be disruptive. In summary, the available evidence is currently insufficient to determine the role of this variant in disease. Therefore, it has been classified as a Variant of Uncertain Significance.